The following is an entry in ClinVar:

ClinVar aggregate classification (germline): Uncertain significance (1 of 4 stars; one submission).

Conditions:
Inborn genetic diseases. Identifiers: MedGen C0950123, MeSH D030342.

gnomAD v4.1: 2 of 1,604,054 alleles (0.00012%); highest among the groups gnomAD compares: Non-Finnish European, 0.00017%; no homozygotes.

Submission:

Ambry Genetics
Classification: Uncertain significance for Inborn genetic diseases. Last evaluated: 2024-06-21. Review status: criteria provided, single submitter. Criteria: Ambry Variant Classification Scheme 2023. Collection method: clinical testing. Allele origin: germline.
Comment: The p.E2527Q variant (also known as c.7579G>C), located in coding exon 51 of the LRRK2 gene, results from a G to C substitution at nucleotide position 7579. The glutamic acid at codon 2527 is replaced by glutamine, an amino acid with highly similar properties. This amino acid position is conserved. In addition, this alteration is predicted to be tolerated by in silico analysis. Based on the available evidence, the clinical significance of this variant remains unclear.

NM_198578.4(LRRK2):c.7579G>C (p.Glu2527Gln)

Gene: LRRK2 (leucine rich repeat kinase 2; plus strand). Cytogenetic location: 12q12.
Variant type: single nucleotide variant.
Coding change: c.7579G>C on transcript NM_198578.4 (MANE Select); coding-DNA position 7579, G replaced by C.
Protein change: p.Glu2527Gln; replaces glutamic acid 2527 with glutamine.
Molecular consequence: missense variant.
Genome position (GRCh38, 1-based): chr12:40,367,760, G>C. VCF-style: chr12-40367760-G-C. GRCh37 (hg19) VCF-style: chr12-40761562-G-C.
Other names: short protein forms E2527Q.
Identifiers: ClinVar variation 3292076 (VCV003292076.1).
Genomic context (GRCh38, chr12:40,367,760, plus strand): 5'-TTAGAAAAACACATTGAAGTGAGAAAAGAATTAGCTGAAAAAATGAGACGAACATCTGTT[G>C]AGTAAGAGAGAAATAGGAATTGTCTTTGGATAGGAAAATTATTCTCTCCTCTTGTAAATA-3'
Protein context (NP_940980.4, residues 2517-2527): LAEKMRRTSV[Glu2527Gln]